The following is an entry in ClinVar:

NM_032217.5(ANKRD17):c.309_320del (p.Gly107_Gly110del)

Gene: ANKRD17 (ankyrin repeat domain 17; minus strand). Cytogenetic location: 4q13.3.
Variant type: Deletion.
Coding change: c.309_320del on transcript NM_032217.5 (MANE Select); coding-DNA positions 309 to 320, 12 bases deleted (AGGCGGAGGTGG).
Protein change: p.Gly107_Gly110del.
Molecular consequence: inframe deletion.
Genome position (GRCh38, 1-based): chr4:73,258,349-73,258,360, CCACCTCCGCCT deleted on the plus strand (AGGCGGAGGTGG on the coding strand, the reverse complement: ANKRD17 is on the minus strand); deleting any 12 consecutive bases within chr4:73,258,349-73,258,365 gives the same sequence; the c. name uses the placement nearest the transcript's 3' end. VCF-style (leftmost placement, unchanged base first): chr4-73258348-GCCACCTCCGCCT-G. GRCh37 (hg19) VCF-style: chr4-74124065-GCCACCTCCGCCT-G.
Other names: c.309_320del, p.Gly107_Gly110del (NM_015574.2, NM_198889.3).
Identifiers: ClinVar variation 2629192 (VCV002629192.2), dbSNP rs761485112, ClinGen allele CA2959185.
Genomic context (GRCh38, chr4:73,258,348, plus strand): 5'-CTCTTCCTCGTCGTCGTCGTCCTCTTCTTCCTCGCTGTTGTTACTGCTGGTGCCGCCGCC[GCCACCTCCGCCT>G]CCACCGCCGCCTCCACCGCCGCCGCTGTTGTCGCTGTCGCTGCTGCTTTCGCTGCTGCTG-3'

ClinVar aggregate classification (germline): Likely benign (0 of 4 stars; one submission).

Conditions:
ANKRD17-related disorder. Also called: ANKRD17-related condition.

Submission:

PreventionGenetics, part of Exact Sciences
Classification: Likely benign for ANKRD17-related condition. Last evaluated: 2024-09-18. Review status: no assertion criteria provided. Collection method: clinical testing. Allele origin: germline.
Comment: This variant is classified as likely benign based on ACMG/AMP sequence variant interpretation guidelines (Richards et al. 2015 PMID: 25741868, with internal and published modifications).